The following is an entry in ClinVar:

NM_000037.4(ANK1):c.4601C>T (p.Pro1534Leu)

Gene: ANK1 (ankyrin 1; minus strand). Cytogenetic location: 8p11.21.
Variant type: single nucleotide variant.
Coding change: c.4601C>T on transcript NM_000037.4 (MANE Select); coding-DNA position 4601, C replaced by T.
Protein change: p.Pro1534Leu; replaces proline 1534 with leucine.
Molecular consequence: missense variant. On other transcripts: intron variant (1).
Genome position (GRCh38, 1-based): chr8:41,672,849, G>A on the plus strand (C>T on the coding strand, the complement: ANK1 is on the minus strand). VCF-style: chr8-41672849-G-A. GRCh37 (hg19) VCF-style: chr8-41530367-G-A.
Other names: c.4724C>T, p.Pro1575Leu (NM_001142446.2); c.4601C>T, p.Pro1534Leu (NM_020475.3, NM_020476.3); c.4538-423C>T (NM_020477.3); short protein forms P1534L, P1575L.
Identifiers: ClinVar variation 2076076 (VCV002076076.5), dbSNP rs755323122, ClinGen allele CA4727479.
Genomic context (GRCh38, chr8:41,672,849, plus strand): 5'-GCCGCCAAGGGGATGGCGTCTAGGACGGCCACCTCATTCCAGTACTGGTCTGCACGTAGC[G>A]GAGAGGAAAGTGCACAGCCCAGGGAGGCAGGGGACAGCAGCTCGTCCTGCAGTGAGGAGT-3'
Protein context (NP_000028.3, residues 1524-1544): PASLGCALSS[Pro1534Leu]LRADQYWNEV

ClinVar aggregate classification (germline): Uncertain significance. Review status: criteria provided, multiple submitters, no conflicts (2 of 4 stars). 2 submissions from 2 submitters: Uncertain significance (2). Last evaluated 2026-01-26.

Conditions:
Hereditary spherocytosis type 1. Also called: Spherocytosis type 1; ANK1-Related Spherocytosis. Identifiers: Orphanet 822, MedGen C2674218, MONDO:0008447, OMIM 182900.

Allele frequency attached by ClinVar (database versions not stated): ExAC 0.00002; gnomAD exomes 0.00002; gnomAD 0.00003; TOPMed 0.00006.
gnomAD v4.1: 25 of 1,611,124 alleles (0.0016%); highest among the groups gnomAD compares: Admixed American, 0.01%; no homozygotes.

Submissions (2):

Labcorp Genetics (formerly Invitae), Labcorp
Classification: Uncertain significance. Last evaluated: 2026-01-26. Review status: criteria provided, single submitter. Criteria: Invitae Variant Classification Sherloc (09022015). Collection method: clinical testing. Allele origin: germline.
Comment: This sequence change replaces proline, which is neutral and non-polar, with leucine, which is neutral and non-polar, at codon 1534 of the ANK1 protein (p.Pro1534Leu). This variant is present in population databases (rs755323122, gnomAD 0.02%). This variant has not been reported in the literature in individuals affected with ANK1-related conditions. ClinVar contains an entry for this variant (Variation ID: 2076076). An algorithm developed to predict the effect of missense changes on protein structure and function (PolyPhen-2) suggests that this variant is likely to be disruptive. In summary, the available evidence is currently insufficient to determine the role of this variant in disease. Therefore, it has been classified as a Variant of Uncertain Significance.

Revvity Omics, Revvity
Classification: Uncertain significance for Hereditary spherocytosis type 1. Last evaluated: 2024-11-22. Review status: criteria provided, single submitter. Criteria: ACMG Guidelines, 2015. Collection method: clinical testing. Allele origin: germline.